The following is an entry in ClinVar:

NM_016734.3(PAX5):c.734A>G (p.His245Arg)

Gene: PAX5 (paired box 5; minus strand). Cytogenetic location: 9p13.2.
Variant type: single nucleotide variant.
Coding change: c.734A>G on transcript NM_016734.3 (MANE Select); coding-DNA position 734, A replaced by G.
Protein change: p.His245Arg; replaces histidine 245 with arginine.
Molecular consequence: missense variant. On other transcripts: non-coding transcript variant (2).
Genome position (GRCh38, 1-based): chr9:36,966,595, T>C on the plus strand (A>G on the coding strand, the complement: PAX5 is on the minus strand). VCF-style: chr9-36966595-T-C. GRCh37 (hg19) VCF-style: chr9-36966592-T-C.
Other names: c.734A>G, p.His245Arg (NM_001280547.2, NM_001280548.2, NM_001280549.2 and 2 more transcripts); c.410A>G, p.His137Arg (NM_001280551.2, NM_001280556.2); c.605A>G, p.His202Arg (NM_001280553.2, NM_001280554.2); c.536A>G, p.His179Arg (NM_001280555.2); short protein forms H137R, H179R, H202R, H245R.
Identifiers: ClinVar variation 3928294 (VCV003928294.1).

ClinVar aggregate classification (germline): Uncertain significance (1 of 4 stars; one submission).

Conditions:
Inborn genetic diseases. Identifiers: MedGen C0950123, MeSH D030342.

gnomAD v4.1: 3 of 1,614,194 alleles (0.00019%); highest among the groups gnomAD compares: Non-Finnish European, 0.00025%; no homozygotes.

Submission:

Ambry Genetics
Classification: Uncertain significance for Inborn genetic diseases. Last evaluated: 2025-04-12. Review status: criteria provided, single submitter. Criteria: Ambry Variant Classification Scheme 2023. Collection method: clinical testing. Allele origin: germline.
Comment: The p.H245R variant (also known as c.734A>G), located in coding exon 6 of the PAX5 gene, results from an A to G substitution at nucleotide position 734. The histidine at codon 245 is replaced by arginine, an amino acid with highly similar properties. This amino acid position is conserved. In addition, this alteration is predicted to be deleterious by in silico analysis. Based on the available evidence, the clinical significance of this variant remains unclear.